The following is an entry in ClinVar:

NM_006614.4(CHL1):c.1306+10C>A

Gene: CHL1 (cell adhesion molecule L1 like; plus strand). Cytogenetic location: 3p26.3.
Variant type: single nucleotide variant.
Coding change: c.1306+10C>A on transcript NM_006614.4 (MANE Select); 10 bases into the intron after coding-DNA position 1306, C replaced by A.
Molecular consequence: intron variant.
Genome position (GRCh38, 1-based): chr3:360,434, C>A. VCF-style: chr3-360434-C-A. GRCh37 (hg19) VCF-style: chr3-402117-C-A.
Other names: c.1258+10C>A (NM_001253387.2); c.1306+10C>A (NM_001253388.1).
Identifiers: ClinVar variation 750399 (VCV000750399.5), dbSNP rs200853718, ClinGen allele CA2224668.

ClinVar aggregate classification (germline): Benign. Review status: criteria provided, single submitter (1 of 4 stars). 2 submissions from 2 submitters: Benign (1). 1 of the submissions does not count toward it. Last evaluated 2018-06-13.

Conditions:
CHL1-related disorder. Also called: CHL1-related condition.

Allele frequency attached by ClinVar (database versions not stated): 1000 Genomes Project 30x 0.00187; TOPMed 0.00002; 1000 Genomes Project 0.00140.
gnomAD v4.1: 440 of 1,612,040 alleles (0.027%); highest among the groups gnomAD compares: South Asian, 0.46%; 3 homozygotes.

Submissions (2):

Labcorp Genetics (formerly Invitae), Labcorp
Classification: Benign. Last evaluated: 2018-06-13. Review status: criteria provided, single submitter. Criteria: Invitae Variant Classification Sherloc (09022015). Collection method: clinical testing. Allele origin: germline.

PreventionGenetics, part of Exact Sciences
Classification: Likely benign for CHL1-related condition. Last evaluated: 2021-01-27. Review status: no assertion criteria provided. Collection method: clinical testing. Allele origin: germline. Not counted in ClinVar's aggregate classification.
Comment: This variant is classified as likely benign based on ACMG/AMP sequence variant interpretation guidelines (Richards et al. 2015 PMID: 25741868, with internal and published modifications).